The following is an entry in ClinVar:

NM_002470.4(MYH3):c.1566C>T (p.Ile522=)

Gene: MYH3 (myosin heavy chain 3; minus strand). Cytogenetic location: 17p13.1.
Variant type: single nucleotide variant.
Coding change: c.1566C>T on transcript NM_002470.4 (MANE Select); coding-DNA position 1566, C replaced by T.
Protein change: p.Ile522=; no amino-acid change (isoleucine 522 retained).
Molecular consequence: synonymous variant.
Genome position (GRCh38, 1-based): chr17:10,642,841, G>A on the plus strand (C>T on the coding strand, the complement: MYH3 is on the minus strand). VCF-style: chr17-10642841-G-A. GRCh37 (hg19) VCF-style: chr17-10546158-G-A.
Other names: c.1566C>T (NM_002470.3).
Identifiers: ClinVar variation 1967799 (VCV001967799.7), dbSNP rs146873206, ClinGen allele CA8392986.

ClinVar aggregate classification (germline): Likely benign. Review status: criteria provided, single submitter (1 of 4 stars). 2 submissions from 2 submitters: Likely benign (1). 1 of the submissions does not count toward it. Last evaluated 2026-02-01.

Conditions:
MYH3-related disorder. Also called: MYH3-related condition; MYH3-Related Disorders. Identifiers: MedGen CN239329.

gnomAD v4.1: 100 of 1,614,120 alleles (0.0062%); highest among the groups gnomAD compares: South Asian, 0.031%; 1 homozygote.

Submissions (2):

Labcorp Genetics (formerly Invitae), Labcorp
Classification: Likely benign. Last evaluated: 2026-02-01. Review status: criteria provided, single submitter. Criteria: Invitae Variant Classification Sherloc (09022015). Collection method: clinical testing. Allele origin: germline.

PreventionGenetics, part of Exact Sciences
Classification: Likely benign for MYH3-related condition. Last evaluated: 2019-07-15. Review status: no assertion criteria provided. Collection method: clinical testing. Allele origin: germline. Not counted in ClinVar's aggregate classification.
Comment: This variant is classified as likely benign based on ACMG/AMP sequence variant interpretation guidelines (Richards et al. 2015 PMID: 25741868, with internal and published modifications).